The following is an entry in ClinVar:

NM_021969.3(NR0B2):c.531C>T (p.Pro177=)

Genes: NR0B2 (nuclear receptor subfamily 0 group B member 2; minus strand), NUDC (nuclear distribution C, dynein complex regulator; plus strand). Cytogenetic location: 1p36.11.
Variant type: single nucleotide variant.
Coding change: c.531C>T on transcript NM_021969.3 (MANE Select); coding-DNA position 531, C replaced by T.
Protein change: p.Pro177=; no amino-acid change (proline 177 retained).
Molecular consequence: synonymous variant.
Genome position (GRCh38, 1-based): chr1:26,913,410, G>A on the plus strand (C>T on the coding strand, the complement: NR0B2 is on the minus strand). VCF-style: chr1-26913410-G-A. GRCh37 (hg19) VCF-style: chr1-27239901-G-A.
Identifiers: ClinVar variation 3355668 (VCV003355668.1).
Genomic context (GRCh38, chr1:26,913,410, plus strand): 5'-TTCCCTGGCTGGCCCCTGCTTCAGCCTTGCCCCCCACCCAGGAGTGTCTGGGAGCTCACC[G>A]GGGTTGAAGAGGATGGTCCCTTTCAGGCAGGCATATTCCTTGGGGCTAAGCTCCAGGCTC-3'
Protein context (NP_068804.1, residues 167-187): ACLKGTILFN[Pro177=]DVPGLQAASH

ClinVar aggregate classification (germline): Likely benign (0 of 4 stars; one submission).

Conditions:
NR0B2-related disorder. Also called: NR0B2-related condition.

gnomAD v4.1: 19 of 1,613,838 alleles (0.0012%); highest among the groups gnomAD compares: African/African-American, 0.004%; no homozygotes.

Submission:

PreventionGenetics, part of Exact Sciences
Classification: Likely benign for NR0B2-related condition. Last evaluated: 2024-02-22. Review status: no assertion criteria provided. Collection method: clinical testing. Allele origin: germline.
Comment: This variant is classified as likely benign based on ACMG/AMP sequence variant interpretation guidelines (Richards et al. 2015 PMID: 25741868, with internal and published modifications).